The following is an entry in ClinVar:

ClinVar aggregate classification (germline): Likely pathogenic (1 of 4 stars; one submission).

Conditions:
Aicardi-Goutieres syndrome 4. Identifiers: Orphanet 51, MedGen C1835912, MONDO:0012472, OMIM 610333.

Submission:

Labcorp Genetics (formerly Invitae), Labcorp
Classification: Likely pathogenic for Aicardi-Goutieres syndrome 4. Last evaluated: 2025-03-30. Review status: criteria provided, single submitter. Criteria: Invitae Variant Classification Sherloc (09022015). Collection method: clinical testing. Allele origin: germline.
Comment: This sequence change affects a donor splice site in intron 6 of the RNASEH2A gene. It is expected to disrupt RNA splicing. Variants that disrupt the donor or acceptor splice site typically lead to a loss of protein function (PMID: 16199547), and loss-of-function variants in RNASEH2A are known to be pathogenic (PMID: 21454563, 25274781). This variant is not present in population databases (gnomAD no frequency). This variant has not been reported in the literature in individuals affected with RNASEH2A-related conditions. Algorithms developed to predict the effect of sequence changes on RNA splicing suggest that this variant may disrupt the consensus splice site. In summary, the currently available evidence indicates that the variant is pathogenic, but additional data are needed to prove that conclusively. Therefore, this variant has been classified as Likely Pathogenic.

Literature cited by the submitters: PubMed 16199547; PubMed 21454563; PubMed 25274781.

NM_006397.3(RNASEH2A):c.637+1G>A

Gene: RNASEH2A (ribonuclease H2 subunit A; plus strand). Cytogenetic location: 19p13.13.
Variant type: single nucleotide variant.
Coding change: c.637+1G>A on transcript NM_006397.3 (MANE Select); the canonical splice donor site of the intron after coding-DNA position 637, G replaced by A.
Molecular consequence: splice donor variant.
Genome position (GRCh38, 1-based): chr19:12,810,405, G>A. VCF-style: chr19-12810405-G-A. GRCh37 (hg19) VCF-style: chr19-12921219-G-A.
Identifiers: ClinVar variation 4805380 (VCV004805380.1).